The following is an entry in ClinVar:

NM_000642.3(AGL):c.3683G>A (p.Arg1228Gln)

Gene: AGL (amylo-alpha-1,6-glucosidase and 4-alpha-glucanotransferase; plus strand). Cytogenetic location: 1p21.2.
Variant type: single nucleotide variant.
Coding change: c.3683G>A on transcript NM_000642.3 (MANE Select); coding-DNA position 3683, G replaced by A.
Protein change: p.Arg1228Gln; replaces arginine 1228 with glutamine.
Molecular consequence: missense variant.
Genome position (GRCh38, 1-based): chr1:99,902,777, G>A. VCF-style: chr1-99902777-G-A. GRCh37 (hg19) VCF-style: chr1-100368333-G-A.
Other names: c.3683G>A, p.Arg1228Gln (NM_000028.3, NM_000643.3, NM_000644.3 and 1 more transcripts); c.3635G>A, p.Arg1212Gln (NM_000646.3); c.3662G>A, p.Arg1221Gln (NM_001425326.1); c.3482G>A, p.Arg1161Gln (NM_001425327.1); c.3479G>A, p.Arg1160Gln (NM_001425328.1); c.3344G>A, p.Arg1115Gln (NM_001425329.1); c.3305G>A, p.Arg1102Gln (NM_001425332.1); short protein forms R1228Q, R1212Q, R1102Q, R1115Q, R1160Q, R1161Q, R1221Q.
Identifiers: ClinVar variation 456494 (VCV000456494.10), dbSNP rs147214287, ClinGen allele CA967173.
Genomic context (GRCh38, chr1:99,902,777, plus strand): 5'-TGCAAAAACACATGCAGGGCATACAGTTCCGAGAAAGGAATGCTGGTCCCCAGATAGATC[G>A]AAACATGAAGGACGAAGGTACAGAACTTTAACTAAAATAGTACAAATTTATCAAGGTGAT-3'
Protein context (NP_000633.2, residues 1218-1238): RERNAGPQID[Arg1228Gln]NMKDEGFNIT

ClinVar aggregate classification (germline): Uncertain significance. Review status: criteria provided, single submitter (1 of 4 stars). 2 submissions from 2 submitters: Uncertain significance (1). 1 of the submissions does not count toward it. Last evaluated 2022-07-06.

Conditions:
Glycogen storage disease type III (GSD3). Also called: FORBES DISEASE; Cori disease. Identifiers: Orphanet 366, MedGen C0017922, MONDO:0009291, OMIM 232400.

Allele frequency attached by ClinVar (database versions not stated): TOPMed below 0.00001; gnomAD 0.00001; gnomAD exomes 0.00001 and 0.00002; ExAC 0.00003; ESP Exome Variant Server 0.00008; 1000 Genomes Project 30x 0.00016; 1000 Genomes Project 0.00020.
gnomAD v4.1: 18 of 1,612,634 alleles (0.0011%); highest among the groups gnomAD compares: East Asian, 0.0045%; no homozygotes.

Submissions (2):

Labcorp Genetics (formerly Invitae), Labcorp
Classification: Uncertain significance for Glycogen storage disease type III. Last evaluated: 2022-07-06. Review status: criteria provided, single submitter. Criteria: Invitae Variant Classification Sherloc (09022015). Collection method: clinical testing. Allele origin: germline.
Comment: This sequence change replaces arginine, which is basic and polar, with glutamine, which is neutral and polar, at codon 1228 of the AGL protein (p.Arg1228Gln). This variant is present in population databases (rs147214287, gnomAD 0.006%). This variant has not been reported in the literature in individuals affected with AGL-related conditions. ClinVar contains an entry for this variant (Variation ID: 456494). Algorithms developed to predict the effect of missense changes on protein structure and function (SIFT, PolyPhen-2, Align-GVGD) all suggest that this variant is likely to be tolerated. In summary, the available evidence is currently insufficient to determine the role of this variant in disease. Therefore, it has been classified as a Variant of Uncertain Significance.

Natera, Inc.
Classification: Uncertain significance for Glycogen storage disease type III. Last evaluated: 2019-10-28. Review status: no assertion criteria provided. Collection method: clinical testing. Allele origin: germline. Not counted in ClinVar's aggregate classification.